The following is an entry in ClinVar:

NM_001658.4(ARF1):c.165C>A (p.Thr55=)

Genes: ARF1 (ARF GTPase 1; plus strand), LOC126806039 (CDK7 strongly-dependent group 2 enhancer GRCh37_chr1:228284937-228286136; plus strand). Cytogenetic location: 1q42.13.
Variant type: single nucleotide variant.
Coding change: c.165C>A on transcript NM_001658.4 (MANE Select); coding-DNA position 165, C replaced by A.
Protein change: p.Thr55=; no amino-acid change (threonine 55 retained).
Molecular consequence: synonymous variant.
Genome position (GRCh38, 1-based): chr1:228,097,358, C>A. VCF-style: chr1-228097358-C-A. GRCh37 (hg19) VCF-style: chr1-228285059-C-A.
Other names: c.165C>A, p.Thr55= (NM_001024226.2, NM_001024227.1, NM_001024228.2).
Identifiers: ClinVar variation 3357634 (VCV003357634.1).

ClinVar aggregate classification (germline): Likely benign (0 of 4 stars; one submission).

Conditions:
ARF1-related disorder. Also called: ARF1-related condition.

gnomAD v4.1: 12 of 1,614,002 alleles (0.00074%); highest among the groups gnomAD compares: Non-Finnish European, 0.00093%; no homozygotes.

Submission:

PreventionGenetics, part of Exact Sciences
Classification: Likely benign for ARF1-related condition. Last evaluated: 2024-06-27. Review status: no assertion criteria provided. Collection method: clinical testing. Allele origin: germline.
Comment: This variant is classified as likely benign based on ACMG/AMP sequence variant interpretation guidelines (Richards et al. 2015 PMID: 25741868, with internal and published modifications).